The following is an entry in ClinVar:

ClinVar aggregate classification (germline): Pathogenic (1 of 4 stars; one submission).

Conditions:
Polycystic kidney disease, adult type (PKD1). Also called: Polycystic Kidney Disease 1, Autosomal Dominant; Polycystic kidney disease 1; Polycystic kidney disease 1, severe; POLYCYSTIC KIDNEY DISEASE 1 WITH OR WITHOUT POLYCYSTIC LIVER DISEASE; POLYCYSTIC KIDNEY DISEASE, ADULT, TYPE I; Polycystic Kidney, Autosomal Dominant. Identifiers: MedGen C3149841, MONDO:0008263, OMIM 173900.

Submission:

Women's Health and Genetics/Laboratory Corporation of America, LabCorp
Classification: Pathogenic for Polycystic kidney disease, adult type. Last evaluated: 2026-04-20. Review status: criteria provided, single submitter. Criteria: LabCorp Variant Classification Summary - May 2015. Collection method: clinical testing. Allele origin: germline.
Comment: Variant summary: PKD1 c.6897_6898delCT (p.Val2301GlyfsX118) results in a premature termination codon, predicted to cause a truncation of the encoded protein or absence of the protein due to nonsense mediated decay, which are commonly known mechanisms for disease. The variant was absent in 242720 control chromosomes. To our knowledge, no occurrence of c.6897_6898delCT in individuals affected with PKD1-related conditions and no experimental evidence demonstrating its impact on protein function have been reported. No submitters have cited clinical-significance assessments for this variant to ClinVar. Based on the evidence outlined above, the variant was classified as pathogenic.

NM_001009944.3(PKD1):c.6897_6898del (p.Val2301fs)

Gene: PKD1 (polycystin 1, transient receptor potential channel interacting; minus strand). Cytogenetic location: 16p13.3.
Variant type: Deletion.
Coding change: c.6897_6898del on transcript NM_001009944.3 (MANE Select); coding-DNA positions 6897 to 6898, 2 bases deleted (CT; older notation c.6897_6898delCT).
Protein change: p.Val2301fs; shifts the reading frame from valine 2301.
Molecular consequence: frameshift variant.
Genome position (GRCh38, 1-based): chr16:2,108,269-2,108,270, AG deleted on the plus strand (CT on the coding strand, the reverse complement: PKD1 is on the minus strand). VCF-style (leftmost placement, unchanged base first): chr16-2108268-CAG-C. GRCh37 (hg19) VCF-style: chr16-2158269-CAG-C.
Other names: c.6897_6898del, p.Val2301fs (NM_000296.4); c.6897_6898delCT (NM_001009944.3); short protein forms V2301fs.
Identifiers: ClinVar variation 4848393 (VCV004848393.1).